The following is an entry in ClinVar:

ClinVar aggregate classification (germline): Uncertain significance (1 of 4 stars; one submission).

Conditions:
Amyotrophic lateral sclerosis type 1 (ALS1). Also called: AMYOTROPHIC LATERAL SCLEROSIS 1, FAMILIAL. Identifiers: Orphanet 803, MedGen C1862939, MONDO:0007103, OMIM 105400.
Perry syndrome. Also called: PARKINSONISM WITH ALVEOLAR HYPOVENTILATION AND MENTAL DEPRESSION. Identifiers: Orphanet 178509, MedGen C1868594, MONDO:0008201, OMIM 168605.
Neuronopathy, distal hereditary motor, type 7B. Also called: NEUROPATHY, DISTAL HEREDITARY MOTOR, WITH VOCAL CORD PARALYSIS, HARDING TYPE VIIB; Distal Hereditary Motor Neuronopathy Type 7B (dHMN7B); LOWER MOTOR NEURON DISEASE, DYNACTIN TYPE; HMN VIIB; NEURONOPATHY, DISTAL HEREDITARY MOTOR, AUTOSOMAL DOMINANT 14; NEURONOPATHY, DISTAL HEREDITARY MOTOR, HARDING TYPE VIIB. Identifiers: Orphanet 139589, MedGen C1843315, MONDO:0011879, OMIM 607641.

Submission:

Labcorp Genetics (formerly Invitae), Labcorp
Classification: Uncertain significance for Amyotrophic lateral sclerosis type 1; Neuronopathy, distal hereditary motor, type 7B; Perry syndrome. Last evaluated: 2021-07-13. Review status: criteria provided, single submitter. Criteria: Invitae Variant Classification Sherloc (09022015). Collection method: clinical testing. Allele origin: germline.
Comment: This sequence change replaces aspartic acid with asparagine at codon 937 of the DCTN1 protein (p.Asp937Asn). The aspartic acid residue is highly conserved and there is a small physicochemical difference between aspartic acid and asparagine. This variant is not present in population databases (ExAC no frequency). This variant has not been reported in the literature in individuals affected with DCTN1-related conditions. Algorithms developed to predict the effect of missense changes on protein structure and function are either unavailable or do not agree on the potential impact of this missense change (SIFT: "Deleterious"; PolyPhen-2: "Probably Damaging"; Align-GVGD: "Class C15"). In summary, the available evidence is currently insufficient to determine the role of this variant in disease. Therefore, it has been classified as a Variant of Uncertain Significance.

NM_004082.5(DCTN1):c.2809G>A (p.Asp937Asn)

Gene: DCTN1 (dynactin subunit 1; minus strand). Cytogenetic location: 2p13.1.
Variant type: single nucleotide variant.
Coding change: c.2809G>A on transcript NM_004082.5 (MANE Select); coding-DNA position 2809, G replaced by A.
Protein change: p.Asp937Asn; replaces aspartic acid 937 with asparagine.
Molecular consequence: missense variant. On other transcripts: non-coding transcript variant (1).
Genome position (GRCh38, 1-based): chr2:74,365,970, C>T on the plus strand (G>A on the coding strand, the complement: DCTN1 is on the minus strand). VCF-style: chr2-74365970-C-T. GRCh37 (hg19) VCF-style: chr2-74593097-C-T.
Other names: c.2749G>A, p.Asp917Asn (NM_001135040.3); c.2407G>A, p.Asp803Asn (NM_001135041.3, NM_023019.4); c.2698G>A, p.Asp900Asn (NM_001190836.2); c.2788G>A, p.Asp930Asn (NM_001190837.2); c.2758G>A, p.Asp920Asn (NM_001378991.1); c.2740G>A, p.Asp914Asn (NM_001378992.1); short protein forms D803N, D914N, D917N, D900N, D920N, D930N, D937N.
Identifiers: ClinVar variation 1367168 (VCV001367168.8), dbSNP rs2104411784, ClinGen allele CA347342670.